The following is an entry in ClinVar:

ClinVar aggregate classification (germline): Uncertain significance. Review status: criteria provided, multiple submitters, no conflicts (2 of 4 stars). 3 submissions from 3 submitters: Uncertain significance (3). Last evaluated 2025-12-18.

Conditions:
Tenorio syndrome (TNORS). Also called: OVERGROWTH, MACROCEPHALY, AND INTELLECTUAL DISABILITY SYNDROME. Identifiers: MedGen C4015710, MONDO:0014553, OMIM 616260.
Inborn genetic diseases. Identifiers: MedGen C0950123, MeSH D030342.

Allele frequency attached by ClinVar (database versions not stated): gnomAD 0.00003 and 0.00004; TOPMed 0.00008; ExAC 0.00009; gnomAD exomes 0.00010.
gnomAD v4.1: 98 of 1,613,430 alleles (0.0061%); highest among the groups gnomAD compares: Non-Finnish European, 0.0076%; no homozygotes.

Submissions (3):

Labcorp Genetics (formerly Invitae), Labcorp
Classification: Uncertain significance for Tenorio syndrome. Last evaluated: 2025-12-18. Review status: criteria provided, single submitter. Criteria: Invitae Variant Classification Sherloc (09022015). Collection method: clinical testing. Allele origin: germline.
Comment: This sequence change replaces aspartic acid, which is acidic and polar, with glutamic acid, which is acidic and polar, at codon 27 of the RNF125 protein (p.Asp27Glu). This variant is present in population databases (rs776932441, gnomAD 0.02%). This variant has not been reported in the literature in individuals affected with RNF125-related conditions. ClinVar contains an entry for this variant (Variation ID: 542141). An algorithm developed to predict the effect of missense changes on protein structure and function outputs the following: PolyPhen-2: "Benign". The glutamic acid amino acid residue is found in multiple mammalian species, which suggests that this missense change does not adversely affect protein function. In summary, the available evidence is currently insufficient to determine the role of this variant in disease. Therefore, it has been classified as a Variant of Uncertain Significance.

CeGaT Center for Human Genetics Tuebingen
Classification: Uncertain significance. Last evaluated: 2025-03-01. Review status: criteria provided, single submitter. Criteria: CeGaT Center For Human Genetics Tuebingen Variant Classification Criteria Version 2. Collection method: clinical testing. Allele origin: germline. Affected: yes. Observed: 2 variant alleles.

Ambry Genetics
Classification: Uncertain significance for Inborn genetic diseases. Last evaluated: 2021-11-09. Review status: criteria provided, single submitter. Criteria: Ambry Variant Classification Scheme 2023. Collection method: clinical testing. Allele origin: germline.

NM_017831.4(RNF125):c.81C>A (p.Asp27Glu)

Genes: RNF125 (ring finger protein 125; plus strand), LOC121852963 (Sharpr-MPRA regulatory region 13938; plus strand). Cytogenetic location: 18q12.1.
Variant type: single nucleotide variant.
Coding change: c.81C>A on transcript NM_017831.4 (MANE Select); coding-DNA position 81, C replaced by A.
Protein change: p.Asp27Glu; replaces aspartic acid 27 with glutamic acid.
Molecular consequence: missense variant.
Genome position (GRCh38, 1-based): chr18:32,018,944, C>A. VCF-style: chr18-32018944-C-A. GRCh37 (hg19) VCF-style: chr18-29598907-C-A.
Other names: short protein forms D27E.
Identifiers: ClinVar variation 542141 (VCV000542141.42), dbSNP rs776932441, ClinGen allele CA8930374.